The following is an entry in ClinVar:

NM_001182.5(ALDH7A1):c.1234A>G (p.Thr412Ala)

Gene: ALDH7A1 (aldehyde dehydrogenase 7 family member A1; minus strand). Cytogenetic location: 5q23.2.
Variant type: single nucleotide variant.
Coding change: c.1234A>G on transcript NM_001182.5 (MANE Select); coding-DNA position 1234, A replaced by G.
Protein change: p.Thr412Ala; replaces threonine 412 with alanine.
Molecular consequence: missense variant.
Genome position (GRCh38, 1-based): chr5:126,552,104, T>C on the plus strand (A>G on the coding strand, the complement: ALDH7A1 is on the minus strand). VCF-style: chr5-126552104-T-C. GRCh37 (hg19) VCF-style: chr5-125887796-T-C.
Other names: p.T412A:ACA>GCA; c.1150A>G, p.Thr384Ala (NM_001201377.2); c.1042A>G, p.Thr348Ala (NM_001202404.2); short protein forms T412A, T384A, T348A.
Identifiers: ClinVar variation 128345 (VCV000128345.29), dbSNP rs2306618, ClinGen allele CA288677.

ClinVar aggregate classification (germline): Benign/Likely benign. Review status: criteria provided, multiple submitters, no conflicts (2 of 4 stars). 9 submissions from 9 submitters: Benign (7); Likely benign (1). 1 of the submissions does not count toward it. Last evaluated 2026-02-04.

Conditions:
Inborn genetic diseases. Identifiers: MedGen C0950123, MeSH D030342.
Pyridoxine-dependent epilepsy (EPEO4). Also called: Pyridoxine-Dependent Seizures; PYRIDOXINE DEPENDENCY WITH SEIZURES; Pyridoxine-Dependent Epilepsy - ALDH7A1; EPILEPSY, EARLY-ONSET, 4, VITAMIN B6-DEPENDENT. Identifiers: Orphanet 3006, MedGen C1849508, MONDO:0009945, OMIM 266100. Disease mechanism: loss of function.

Allele frequency attached by ClinVar (database versions not stated): TOPMed 0.00371; ExAC 0.00669; gnomAD exomes 0.00226 and 0.00683; gnomAD 0.00338 and 0.00250; 1000 Genomes Project 30x 0.01562; 1000 Genomes Project 0.01637; ESP Exome Variant Server 0.00038.
gnomAD v4.1: 3,940 of 1,614,082 alleles (0.24%); highest among the groups gnomAD compares: East Asian, 6.6%; 112 homozygotes.

Submissions (9):

Labcorp Genetics (formerly Invitae), Labcorp
Classification: Benign for Pyridoxine-dependent epilepsy. Last evaluated: 2026-02-04. Review status: criteria provided, single submitter. Criteria: Invitae Variant Classification Sherloc (09022015). Collection method: clinical testing. Allele origin: germline.

Genome-Nilou Lab
Classification: Benign for Pyridoxine-dependent epilepsy. Last evaluated: 2023-04-11. Review status: criteria provided, single submitter. Criteria: ACMG Guidelines, 2015. Collection method: clinical testing. Allele origin: germline. Affected: no.

Mayo Clinic Laboratories, Mayo Clinic
Classification: Benign. Last evaluated: 2022-08-14. Review status: criteria provided, single submitter. Criteria: ACMG Guidelines, 2015. Collection method: clinical testing. Allele origin: germline. Observed: 3 variant alleles.

Fulgent Genetics
Classification: Likely benign for Pyridoxine-dependent epilepsy. Last evaluated: 2022-01-21. Review status: criteria provided, single submitter. Criteria: ACMG Guidelines, 2015. Collection method: clinical testing. Allele origin: unknown.

Illumina Laboratory Services, Illumina
Classification: Benign for Pyridoxine-dependent epilepsy. Last evaluated: 2018-01-13. Review status: criteria provided, single submitter. Criteria: ICSL Variant Classification Criteria 13 December 2019. Collection method: clinical testing. Allele origin: germline.
Comment: This variant was observed in the ICSL laboratory as part of a predisposition screen in an ostensibly healthy population. It had not been previously curated by ICSL or reported in the Human Gene Mutation Database (HGMD: prior to June 1st, 2018), and was therefore a candidate for classification through an automated scoring system. Utilizing variant allele frequency, disease prevalence and penetrance estimates, and inheritance mode, an automated score was calculated to assess if this variant is too frequent to cause the disease. Based on the score and internal cut-off values, a variant classified as benign is not then subjected to further curation. The score for this variant resulted in a classification of benign for this disease.

Ambry Genetics
Classification: Benign for Inborn genetic diseases. Last evaluated: 2016-04-05. Review status: criteria provided, single submitter. Criteria: Ambry Variant Classification Scheme 2023. Collection method: clinical testing. Allele origin: germline.

Eurofins Ntd Llc (ga)
Classification: Benign. Last evaluated: 2014-06-05. Review status: criteria provided, single submitter. Criteria: EGL Classification Definitions 2015. Collection method: clinical testing. Allele origin: germline. Observed: 1 variant allele, 1 heterozygote.

GeneDx
Classification: Benign. Last evaluated: 2012-02-24. Review status: criteria provided, single submitter. Criteria: GeneDx Variant Classification (06012015). Collection method: clinical testing. Allele origin: germline. Affected: yes.
Comment: This variant is considered likely benign or benign based on one or more of the following criteria: it is a conservative change, it occurs at a poorly conserved position in the protein, it is predicted to be benign by multiple in silico algorithms, and/or has population frequency not consistent with disease.

Genetic Services Laboratory, University of Chicago
Classification: Likely benign for AllHighlyPenetrant. Review status: no assertion criteria provided. Collection method: clinical testing. Allele origin: germline. Inheritance: Autosomal recessive inheritance. Not counted in ClinVar's aggregate classification.
Comment: Likely benign based on allele frequency in 1000 Genomes Project or ESP global frequency and its presence in a patient with a rare or unrelated disease phenotype. NOT Sanger confirmed.